The following is an entry in ClinVar:

NM_004393.6(DAG1):c.1892A>G (p.Lys631Arg)

Gene: DAG1 (dystroglycan 1; plus strand). Cytogenetic location: 3p21.31.
Variant type: single nucleotide variant.
Coding change: c.1892A>G on transcript NM_004393.6 (MANE Select); coding-DNA position 1892, A replaced by G.
Protein change: p.Lys631Arg; replaces lysine 631 with arginine.
Molecular consequence: missense variant.
Genome position (GRCh38, 1-based): chr3:49,532,403, A>G. VCF-style: chr3-49532403-A-G. GRCh37 (hg19) VCF-style: chr3-49569836-A-G.
Other names: c.1892A>G, p.Lys631Arg (NM_001165928.4, NM_001177634.3, NM_001177635.3 and 9 more transcripts); c.1892A>G (NM_004393.4); short protein forms K631R.
Identifiers: ClinVar variation 1024871 (VCV001024871.7), dbSNP rs767737971, ClinGen allele CA2399169.

ClinVar aggregate classification (germline): Uncertain significance. Review status: criteria provided, multiple submitters, no conflicts (2 of 4 stars). 2 submissions from 2 submitters: Uncertain significance (2). Last evaluated 2021-10-12.

Conditions:
Inborn genetic diseases. Identifiers: MedGen C0950123, MeSH D030342.
Autosomal recessive limb-girdle muscular dystrophy type 2P. Also called: MUSCULAR DYSTROPHY, LIMB-GIRDLE, TYPE 2P; Limb-Girdle Muscular Dystrophy Type 9C; MUSCULAR DYSTROPHY-DYSTROGLYCANOPATHY, LIMB-GIRDLE, DAG1-RELATED. Identifiers: Orphanet 280333, MedGen C4511963, MONDO:0013440, OMIM 613818.
Muscular dystrophy-dystroglycanopathy (congenital with brain and eye anomalies), type A9. Also called: Muscular dystrophy-dystroglycanopathy (congenital with brain and eye anomalies), type a, 9; WALKER-WARBURG SYNDROME OR MUSCLE-EYE BRAIN DISEASE, DAG1-RELATED. Identifiers: Orphanet 370997, Orphanet 899, MedGen C4225291, MONDO:0014683, OMIM 616538.

Allele frequency attached by ClinVar (database versions not stated): gnomAD exomes below 0.00001; ExAC 0.00001; gnomAD 0.00001; TOPMed 0.00001.
gnomAD v4.1: 7 of 1,614,100 alleles (0.00043%); highest among the groups gnomAD compares: Non-Finnish European, 0.00059%; no homozygotes.

Submissions (2):

Ambry Genetics
Classification: Uncertain significance for Inborn genetic diseases. Last evaluated: 2021-10-12. Review status: criteria provided, single submitter. Criteria: Ambry Variant Classification Scheme 2023. Collection method: clinical testing. Allele origin: germline.

Labcorp Genetics (formerly Invitae), Labcorp
Classification: Uncertain significance for Autosomal recessive limb-girdle muscular dystrophy type 2P; Muscular dystrophy-dystroglycanopathy (congenital with brain and eye anomalies), type A9. Last evaluated: 2020-08-08. Review status: criteria provided, single submitter. Criteria: Invitae Variant Classification Sherloc (09022015). Collection method: clinical testing. Allele origin: germline.
Comment: This variant has not been reported in the literature in individuals with DAG1-related conditions. In summary, the available evidence is currently insufficient to determine the role of this variant in disease. Therefore, it has been classified as a Variant of Uncertain Significance. Algorithms developed to predict the effect of sequence changes on RNA splicing suggest that this variant may create or strengthen a splice site, but this prediction has not been confirmed by published transcriptional studies. Algorithms developed to predict the effect of missense changes on protein structure and function output the following: SIFT: "Tolerated"; PolyPhen-2: "Benign"; Align-GVGD: "Class C0". The arginine amino acid residue is found in multiple mammalian species, suggesting that this missense change does not adversely affect protein function. These predictions have not been confirmed by published functional studies and their clinical significance is uncertain. This variant is present in population databases (rs767737971, ExAC 0.002%). This sequence change replaces lysine with arginine at codon 631 of the DAG1 protein (p.Lys631Arg). The lysine residue is moderately conserved and there is a small physicochemical difference between lysine and arginine.